The following is an entry in ClinVar:

NM_014141.6(CNTNAP2):c.551-121G>C

Gene: CNTNAP2 (contactin associated protein 2; plus strand). Cytogenetic location: 7q35.
Variant type: single nucleotide variant.
Coding change: c.551-121G>C on transcript NM_014141.6 (MANE Select); 121 bases into the intron before coding-DNA position 551, G replaced by C.
Molecular consequence: intron variant.
Genome position (GRCh38, 1-based): chr7:147,108,026, G>C. VCF-style: chr7-147108026-G-C. GRCh37 (hg19) VCF-style: chr7-146805118-G-C.
Identifiers: ClinVar variation 672545 (VCV000672545.1), dbSNP rs10240415, ClinGen allele CA168687871.

ClinVar aggregate classification (germline): Likely benign (1 of 4 stars; one submission).

Allele frequency attached by ClinVar (database versions not stated): TOPMed 0.03045; gnomAD 0.03201 and 0.03392; gnomAD exomes 0.03477; 1000 Genomes Project 30x 0.04763; 1000 Genomes Project 0.04772.
gnomAD v4.1: 28,788 of 838,840 alleles (3.4%); highest among the groups gnomAD compares: South Asian, 9.4%; 785 homozygotes.

Submission:

GeneDx
Classification: Likely benign. Last evaluated: 2018-06-14. Review status: criteria provided, single submitter. Criteria: GeneDx Variant Classification (06012015). Collection method: clinical testing. Allele origin: germline. Affected: yes.
Comment: This variant is considered likely benign or benign based on one or more of the following criteria: it is a conservative change, it occurs at a poorly conserved position in the protein, it is predicted to be benign by multiple in silico algorithms, and/or has population frequency not consistent with disease.